The following is an entry in ClinVar:

NM_000075.4(CDK4):c.315C>A (p.Asp105Glu)

Gene: CDK4 (cyclin dependent kinase 4; minus strand). Cytogenetic location: 12q14.1.
Variant type: single nucleotide variant.
Coding change: c.315C>A on transcript NM_000075.4 (MANE Select); coding-DNA position 315, C replaced by A.
Protein change: p.Asp105Glu; replaces aspartic acid 105 with glutamic acid.
Molecular consequence: missense variant.
Genome position (GRCh38, 1-based): chr12:57,751,246, G>T on the plus strand (C>A on the coding strand, the complement: CDK4 is on the minus strand). VCF-style: chr12-57751246-G-T. GRCh37 (hg19) VCF-style: chr12-58145029-G-T.
Other names: short protein forms D105E.
Identifiers: ClinVar variation 653771 (VCV000653771.9), dbSNP rs1158206003, ClinGen allele CA385547732.

ClinVar aggregate classification (germline): Conflicting classifications of pathogenicity. Review status: criteria provided, conflicting classifications (1 of 4 stars). 2 submissions from 2 submitters: Uncertain significance (1); Likely benign (1). Last evaluated 2025-11-10.

Conditions:
Hereditary cancer-predisposing syndrome. Also called: Neoplastic Syndromes, Hereditary; Tumor predisposition; Hereditary Cancer Syndrome; Hereditary neoplastic syndrome. Identifiers: Orphanet 140162, MedGen C0027672, MeSH D009386, MONDO:0015356.
Familial melanoma. Also called: Hereditary melanoma; Hereditary cutaneous melanoma. Identifiers: Orphanet 618, MedGen C1512419, MONDO:0018961.

Allele frequency attached by ClinVar (database versions not stated): TOPMed 0.00001.

Submissions (2):

Ambry Genetics
Classification: Likely benign for Hereditary cancer-predisposing syndrome. Last evaluated: 2025-11-10. Review status: criteria provided, single submitter. Criteria: Ambry Variant Classification Scheme 2023. Collection method: clinical testing. Allele origin: germline.

Labcorp Genetics (formerly Invitae), Labcorp
Classification: Uncertain significance for Familial melanoma. Last evaluated: 2025-08-28. Review status: criteria provided, single submitter. Criteria: Invitae Variant Classification Sherloc (09022015). Collection method: clinical testing. Allele origin: germline.
Comment: This sequence change replaces aspartic acid, which is acidic and polar, with glutamic acid, which is acidic and polar, at codon 105 of the CDK4 protein (p.Asp105Glu). This variant is not present in population databases (gnomAD no frequency). This variant has not been reported in the literature in individuals affected with CDK4-related conditions. ClinVar contains an entry for this variant (Variation ID: 653771). Invitae Evidence Modeling of protein sequence and biophysical properties (such as structural, functional, and spatial information, amino acid conservation, physicochemical variation, residue mobility, and thermodynamic stability) indicates that this missense variant is not expected to disrupt CDK4 protein function with a negative predictive value of 95%. In summary, the available evidence is currently insufficient to determine the role of this variant in disease. Therefore, it has been classified as a Variant of Uncertain Significance.